The following is an entry in ClinVar:

NM_199355.4(ADAMTS18):c.1625A>C (p.Lys542Thr)

Gene: ADAMTS18 (ADAM metallopeptidase with thrombospondin type 1 motif 18; minus strand). Cytogenetic location: 16q23.1.
Variant type: single nucleotide variant.
Coding change: c.1625A>C on transcript NM_199355.4 (MANE Select); coding-DNA position 1625, A replaced by C.
Protein change: p.Lys542Thr; replaces lysine 542 with threonine.
Molecular consequence: missense variant.
Genome position (GRCh38, 1-based): chr16:77,341,789, T>G on the plus strand (A>C on the coding strand, the complement: ADAMTS18 is on the minus strand). VCF-style: chr16-77341789-T-G. GRCh37 (hg19) VCF-style: chr16-77375686-T-G.
Other names: c.1109A>C, p.Lys370Thr (NM_001326358.2); short protein forms K370T, K542T.
Identifiers: ClinVar variation 2082170 (VCV002082170.4), dbSNP rs2056402099, ClinGen allele CA396833246.

ClinVar aggregate classification (germline): Uncertain significance (1 of 4 stars; one submission).

Allele frequency attached by ClinVar (database versions not stated): gnomAD 0.00001.
gnomAD v4.1: 12 of 1,611,920 alleles (0.00074%); highest among the groups gnomAD compares: African/African-American, 0.0013%; no homozygotes.

Submission:

Labcorp Genetics (formerly Invitae), Labcorp
Classification: Uncertain significance. Last evaluated: 2022-06-12. Review status: criteria provided, single submitter. Criteria: Invitae Variant Classification Sherloc (09022015). Collection method: clinical testing. Allele origin: germline.
Comment: In summary, the available evidence is currently insufficient to determine the role of this variant in disease. Therefore, it has been classified as a Variant of Uncertain Significance. Algorithms developed to predict the effect of missense changes on protein structure and function are either unavailable or do not agree on the potential impact of this missense change (SIFT: "Not Available"; PolyPhen-2: "Probably Damaging"; Align-GVGD: "Not Available"). This variant has not been reported in the literature in individuals affected with ADAMTS18-related conditions. This variant is not present in population databases (gnomAD no frequency). This sequence change replaces lysine, which is basic and polar, with threonine, which is neutral and polar, at codon 542 of the ADAMTS18 protein (p.Lys542Thr).